The following is an entry in ClinVar:

NM_013275.6(ANKRD11):c.892+1G>A

Gene: ANKRD11 (ankyrin repeat domain 11; minus strand). Cytogenetic location: 16q24.3.
Variant type: single nucleotide variant.
Coding change: c.892+1G>A on transcript NM_013275.6 (MANE Select); the canonical splice donor site of the intron after coding-DNA position 892, G replaced by A.
Molecular consequence: splice donor variant.
Genome position (GRCh38, 1-based): chr16:89,286,038, C>T on the plus strand (G>A on the coding strand, the complement: ANKRD11 is on the minus strand). VCF-style: chr16-89286038-C-T. GRCh37 (hg19) VCF-style: chr16-89352446-C-T.
Other names: c.892+1G>A (NM_001256183.2, NM_001256182.2).
Identifiers: ClinVar variation 3901044 (VCV003901044.2).

ClinVar aggregate classification (germline): Likely pathogenic. Review status: criteria provided, multiple submitters, no conflicts (2 of 4 stars). 2 submissions from 2 submitters: Likely pathogenic (2). Last evaluated 2023-10-11.

Conditions:
ANKRD11-related disorder. Also called: ANKRD11-related condition.
KBG syndrome (KBGS). Also called: ANKRD11-Related KBG Syndrome. Identifiers: Orphanet 2332, MedGen C0220687, MONDO:0007846, OMIM 148050.

Submissions (2):

Laboratorio de Genetica e Diagnostico Molecular, Hospital Israelita Albert Einstein
Classification: Likely pathogenic for KBG syndrome. Last evaluated: 2023-10-11. Review status: criteria provided, single submitter. Criteria: ACMG Guidelines, 2015. Collection method: clinical testing. Allele origin: germline. Affected: yes.
Comment: ACMG classification criteria: PVS1 very strong, PM2 moderate

Blueprint Genetics
Classification: Likely pathogenic for ANKRD11-related disorders. Last evaluated: 2020-11-10. Review status: criteria provided, single submitter. Criteria: ACMG Guidelines, 2015. Collection method: clinical testing. Allele origin: germline. Affected: yes. Observed: 1 variant allele.